The following is an entry in ClinVar:

ClinVar aggregate classification (germline): Uncertain significance. Review status: criteria provided, single submitter (1 of 4 stars). 2 submissions from 2 submitters: Uncertain significance (1). 1 of the submissions does not count toward it.

Conditions:
Maturity-onset diabetes of the young (MODY). Also called: Maturity onset diabetes mellitus in young. Identifiers: Orphanet 552, MedGen C0342276, MONDO:0018911, HP:0004904.
Permanent neonatal diabetes mellitus (PNDM). Identifiers: Orphanet 99885, MedGen C1833104, MONDO:0100164, MONDO:0011643. Disease mechanism: gain of function.

Submissions (2):

Clinical Genomics, Uppaluri K&H Personalized Medicine Clinic
Classification: Uncertain significance for Maturity-onset diabetes of the young. Review status: criteria provided, single submitter. Criteria: K&H Uppaluri Personalized Medicine Clinic Variant Classification & Assertion Criteria. Collection method: research. Allele origin: somatic. Inheritance: Autosomal dominant inheritance.
Comment: Mutations in KCNJ11 gene can cause decreased production and secretion of insulin. This can lead to MODY which is responsive to oral sulfonylureas. It is also associated with Neonatal Diabetes. However, no sufficient evidence is found to ascertain the role of rs1564864998 variant in Diabetes Mellitus yet.

Natera, Inc.
Classification: Uncertain significance for Permanent neonatal diabetes mellitus. Last evaluated: 2020-10-01. Review status: no assertion criteria provided. Collection method: clinical testing. Allele origin: germline. Not counted in ClinVar's aggregate classification.

Literature cited by the submitters: PubMed 26448950 (cited by Clinical Genomics, Uppaluri K&H Personalized Medicine Clinic); PubMed 15580558 (cited by Clinical Genomics, Uppaluri K&H Personalized Medicine Clinic); PubMed 15718250 (cited by Clinical Genomics, Uppaluri K&H Personalized Medicine Clinic).

NM_000525.4(KCNJ11):c.1005C>A (p.Asn335Lys)

Gene: KCNJ11 (potassium inwardly rectifying channel subfamily J member 11; minus strand). Cytogenetic location: 11p15.1.
Variant type: single nucleotide variant.
Coding change: c.1005C>A on transcript NM_000525.4 (MANE Select); coding-DNA position 1005, C replaced by A.
Protein change: p.Asn335Lys; replaces asparagine 335 with lysine.
Molecular consequence: missense variant.
Genome position (GRCh38, 1-based): chr11:17,387,087, G>T on the plus strand (C>A on the coding strand, the complement: KCNJ11 is on the minus strand). VCF-style: chr11-17387087-G-T. GRCh37 (hg19) VCF-style: chr11-17408634-G-T.
Other names: c.744C>A, p.Asn248Lys (NM_001166290.2, NM_001377296.1, NM_001377297.1); short protein forms N248K, N335K.
Identifiers: ClinVar variation 992025 (VCV000992025.2), dbSNP rs1564864998, ClinGen allele CA379769440.